The following is an entry in ClinVar:

NM_001378452.1(ITPR1):c.126A>G (p.Glu42=)

Gene: ITPR1 (inositol 1,4,5-trisphosphate receptor type 1; plus strand). Cytogenetic location: 3p26.1.
Variant type: single nucleotide variant.
Coding change: c.126A>G on transcript NM_001378452.1 (MANE Select); coding-DNA position 126, A replaced by G.
Protein change: p.Glu42=; no amino-acid change (glutamic acid 42 retained).
Molecular consequence: synonymous variant.
Genome position (GRCh38, 1-based): chr3:4,521,057, A>G. VCF-style: chr3-4521057-A-G. GRCh37 (hg19) VCF-style: chr3-4562741-A-G.
Other names: c.126A>G, p.Glu42= (NM_001099952.4, NM_001168272.2, NM_002222.7).
Identifiers: ClinVar variation 3031760 (VCV003031760.2), dbSNP rs1575397510, ClinGen allele CA432449907.

ClinVar aggregate classification (germline): Likely benign (0 of 4 stars; one submission).

Conditions:
ITPR1-related disorder. Also called: ITPR1-related condition.

Allele frequency attached by ClinVar (database versions not stated): gnomAD exomes below 0.00001.
gnomAD v4.1: 3 of 1,613,804 alleles (0.00019%); highest among the groups gnomAD compares: South Asian, 0.0033%; no homozygotes.

Submission:

PreventionGenetics, part of Exact Sciences
Classification: Likely benign for ITPR1-related condition. Last evaluated: 2023-06-22. Review status: no assertion criteria provided. Collection method: clinical testing. Allele origin: germline.
Comment: This variant is classified as likely benign based on ACMG/AMP sequence variant interpretation guidelines (Richards et al. 2015 PMID: 25741868, with internal and published modifications).